The following is an entry in ClinVar:

NM_000352.6(ABCC8):c.74G>T (p.Gly25Val)

Gene: ABCC8 (ATP binding cassette subfamily C member 8; minus strand). Cytogenetic location: 11p15.1.
Variant type: single nucleotide variant.
Coding change: c.74G>T on transcript NM_000352.6 (MANE Select); coding-DNA position 74, G replaced by T.
Protein change: p.Gly25Val; replaces glycine 25 with valine.
Molecular consequence: missense variant. On other transcripts: non-coding transcript variant (1).
Genome position (GRCh38, 1-based): chr11:17,476,703, C>A on the plus strand (G>T on the coding strand, the complement: ABCC8 is on the minus strand). VCF-style: chr11-17476703-C-A. GRCh37 (hg19) VCF-style: chr11-17498250-C-A.
Other names: c.74G>T, p.Gly25Val (NM_001287174.3, NM_001351295.2, NM_001351296.2 and 1 more transcripts); short protein forms G25V.
Identifiers: ClinVar variation 880248 (VCV000880248.7), dbSNP rs763302648, ClinGen allele CA5903988.

ClinVar aggregate classification (germline): Uncertain significance. Review status: criteria provided, multiple submitters, no conflicts (2 of 4 stars). 6 submissions from 3 submitters: Uncertain significance (6). Last evaluated 2022-04-08.

Conditions:
Maturity-onset diabetes of the young (MODY). Also called: Maturity onset diabetes mellitus in young. Identifiers: Orphanet 552, MedGen C0342276, MONDO:0018911, HP:0004904.
Diabetes mellitus, transient neonatal, 2 (TNDM2). Identifiers: Orphanet 99886, MedGen C1835887, MONDO:0012480, OMIM 610374. Disease mechanism: loss of function.
Hyperinsulinemic hypoglycemia, familial, 1 (HHF1). Also called: HYPERINSULINISM, FAMILIAL, WITH PANCREATIC NESIDIOBLASTOSIS; HYPOGLYCEMIA, HYPERINSULINEMIC, OF INFANCY; NESIDIOBLASTOSIS OF PANCREAS; Persistent hyperinsulinemic hypoglycemia of infancy; Persistent Hyperinsulinemia Hypoglycemia of Infancy. Identifiers: Orphanet 276575, Orphanet 276598, MedGen C2931832, MONDO:0009734, OMIM 256450.
Permanent neonatal diabetes mellitus (PNDM). Identifiers: Orphanet 99885, MedGen C1833104, MONDO:0100164, MONDO:0011643. Disease mechanism: gain of function.
Transitory neonatal diabetes mellitus. Also called: Transient neonatal diabetes mellitus. Identifiers: MedGen C0342273, MONDO:0020525, HP:0008255.

Allele frequency attached by ClinVar (database versions not stated): gnomAD exomes below 0.00001 and 0.00002; ExAC 0.00001.
gnomAD v4.1: 23 of 1,611,652 alleles (0.0014%); highest among the groups gnomAD compares: Non-Finnish European, 0.002%; no homozygotes.

Submissions (6):

Blueprint Genetics
Classification: Uncertain significance. Last evaluated: 2022-04-08. Review status: criteria provided, single submitter. Criteria: ACMG Guidelines, 2015. Collection method: clinical testing. Allele origin: germline.

Illumina Laboratory Services, Illumina
Classification: Uncertain significance for Hyperinsulinemic hypoglycemia, familial, 1. Last evaluated: 2017-04-27. Review status: criteria provided, single submitter. Criteria: ICSL Variant Classification Criteria 13 December 2019. Collection method: clinical testing. Allele origin: germline.

Illumina Laboratory Services, Illumina
Classification: Uncertain significance for Permanent neonatal diabetes mellitus 1. Last evaluated: 2017-04-27. Review status: criteria provided, single submitter. Criteria: ICSL Variant Classification Criteria 13 December 2019. Collection method: clinical testing. Allele origin: germline.

Illumina Laboratory Services, Illumina
Classification: Uncertain significance for Diabetes mellitus, transient neonatal, 2. Last evaluated: 2017-04-27. Review status: criteria provided, single submitter. Criteria: ICSL Variant Classification Criteria 13 December 2019. Collection method: clinical testing. Allele origin: germline.

Clinical Genomics, Uppaluri K&H Personalized Medicine Clinic
Classification: Uncertain significance for Maturity-onset diabetes of the young. Review status: criteria provided, single submitter. Criteria: K & H Uppaluri Personalized Medicine Clinic Variant Classification & Assertion Criteria_Updated V.1. Collection method: research. Allele origin: unknown. Inheritance: Somatic mutation.
Comment: Mutations in ABCC8 gene are associated with both neonatal diabetes mellitus as well as MODY. Patients with this mutation may have a better response to sulfonylureas. However, no sufficient evidence is found to ascertain the role of this particular variant ( rs763302648) in MODY yet.

Clinical Genomics, Uppaluri K&H Personalized Medicine Clinic
Classification: Uncertain significance for Transitory neonatal diabetes mellitus. Review status: criteria provided, single submitter. Criteria: K & H Uppaluri Personalized Medicine Clinic Variant Classification & Assertion Criteria_Updated V.1. Collection method: research. Allele origin: unknown. Inheritance: Somatic mutation.
Comment: Mutations in ABCC8 gene are associated with both neonatal diabetes mellitus as well as MODY. Patients with this mutation may have a better response to sulfonylureas. However, no sufficient evidence is found to ascertain the role of this particular variant ( rs763302648) in neonatal diabetes yet.

Literature cited by the submitters: PubMed 16885549 (cited by Clinical Genomics, Uppaluri K&H Personalized Medicine Clinic); PubMed 21989597 (cited by Clinical Genomics, Uppaluri K&H Personalized Medicine Clinic); PubMed 27538677 (cited by Clinical Genomics, Uppaluri K&H Personalized Medicine Clinic); PubMed 18981553 (cited by Clinical Genomics, Uppaluri K&H Personalized Medicine Clinic); PubMed 32027066 (cited by Clinical Genomics, Uppaluri K&H Personalized Medicine Clinic); PubMed 16613899 (cited by Clinical Genomics, Uppaluri K&H Personalized Medicine Clinic); PubMed 18025408 (cited by Clinical Genomics, Uppaluri K&H Personalized Medicine Clinic); PubMed 32792356 (cited by Clinical Genomics, Uppaluri K&H Personalized Medicine Clinic).